The following is an entry in ClinVar:

NM_001376.5(DYNC1H1):c.5705G>T (p.Gly1902Val)

Gene: DYNC1H1 (dynein cytoplasmic 1 heavy chain 1; plus strand). Cytogenetic location: 14q32.31.
Variant type: single nucleotide variant.
Coding change: c.5705G>T on transcript NM_001376.5 (MANE Select); coding-DNA position 5705, G replaced by T.
Protein change: p.Gly1902Val; replaces glycine 1902 with valine.
Molecular consequence: missense variant.
Genome position (GRCh38, 1-based): chr14:102,006,159, G>T. VCF-style: chr14-102006159-G-T. GRCh37 (hg19) VCF-style: chr14-102472496-G-T.
Other names: short protein forms G1902V.
Identifiers: ClinVar variation 1212893 (VCV001212893.5), dbSNP rs1370693832, ClinGen allele CA391049355.
Genomic context (GRCh38, chr14:102,006,159, plus strand): 5'-CCCCCCTCACTGACCGCTGCTATTTGACAATGACACAAGCCTTGGAGGCCAGGCTGGGGG[G>T]TTCCCCATTTGGTAAGTTCTTCCACAGATCTGGACAGATGGAATCATATATTAAAATGTT-3'
Protein context (NP_001367.2, residues 1892-1912): MTQALEARLG[Gly1902Val]SPFGPAGTGK

ClinVar aggregate classification (germline): Pathogenic. Review status: criteria provided, single submitter (1 of 4 stars). 2 submissions from 2 submitters: Pathogenic (1). 1 of the submissions does not count toward it. Last evaluated 2025-01-23.

Conditions:
DYNC1H1-related disorder. Also called: DYNC1H1-related disorders; DYNC1H1-related condition. Identifiers: MedGen CN381529.

Submissions (2):

GeneDx
Classification: Pathogenic. Last evaluated: 2025-01-23. Review status: criteria provided, single submitter. Criteria: GeneDx Variant Classification Process June 2021. Collection method: clinical testing. Allele origin: germline. Affected: yes.
Comment: Not observed at significant frequency in large population cohorts (gnomAD); In silico analysis supports that this missense variant has a deleterious effect on protein structure/function; Has not been previously published as pathogenic or benign to our knowledge; This variant is associated with the following publications: (PMID: 25512093, 25609763, 26100331)

PreventionGenetics, part of Exact Sciences
Classification: Uncertain significance for DYNC1H1-related condition. Last evaluated: 2024-09-12. Review status: no assertion criteria provided. Collection method: clinical testing. Allele origin: germline. Not counted in ClinVar's aggregate classification.
Comment: The DYNC1H1 c.5705G>T variant is predicted to result in the amino acid substitution p.Gly1902Val. To our knowledge, this variant has not been reported in the literature or in a large population database, indicating this variant is rare. Pathogenic missense variants are commonly reported in the DYNC1H1 gene. This variant is reported as likely pathogenic by an outside laboratory in ClinVar; however, evidence to support this interpretation was not provided. Although we suspect that this variant may be pathogenic, at this time, the clinical significance of this variant is uncertain due to the absence of conclusive functional and genetic evidence.